The following is an entry in ClinVar:

NM_032228.6(FAR1):c.266C>G (p.Pro89Arg)

Gene: FAR1 (fatty acyl-CoA reductase 1; plus strand). Cytogenetic location: 11p15.3.
Variant type: single nucleotide variant.
Coding change: c.266C>G on transcript NM_032228.6 (MANE Select); coding-DNA position 266, C replaced by G.
Protein change: p.Pro89Arg; replaces proline 89 with arginine.
Molecular consequence: missense variant.
Genome position (GRCh38, 1-based): chr11:13,700,393, C>G. VCF-style: chr11-13700393-C-G. GRCh37 (hg19) VCF-style: chr11-13721940-C-G.
Other names: short protein forms P89R.
Identifiers: ClinVar variation 1497725 (VCV001497725.8), dbSNP rs2134184029, ClinGen allele CA379856536.

ClinVar aggregate classification (germline): Uncertain significance (1 of 4 stars; one submission).

gnomAD v4.1: 1 of 1,603,228 alleles (0.000062%); highest among the groups gnomAD compares: African/African-American, 0.0013%; no homozygotes.

Submission:

Labcorp Genetics (formerly Invitae), Labcorp
Classification: Uncertain significance. Last evaluated: 2024-01-22. Review status: criteria provided, single submitter. Criteria: Invitae Variant Classification Sherloc (09022015). Collection method: clinical testing. Allele origin: germline.
Comment: This sequence change replaces proline, which is neutral and non-polar, with arginine, which is basic and polar, at codon 89 of the FAR1 protein (p.Pro89Arg). This variant is not present in population databases (gnomAD no frequency). This variant has not been reported in the literature in individuals affected with FAR1-related conditions. ClinVar contains an entry for this variant (Variation ID: 1497725). Advanced modeling of protein sequence and biophysical properties (such as structural, functional, and spatial information, amino acid conservation, physicochemical variation, residue mobility, and thermodynamic stability) performed at Invitae indicates that this missense variant is not expected to disrupt FAR1 protein function with a negative predictive value of 80%. In summary, the available evidence is currently insufficient to determine the role of this variant in disease. Therefore, it has been classified as a Variant of Uncertain Significance.